The following is an entry in ClinVar:

ClinVar aggregate classification (germline): Likely benign (0 of 4 stars; one submission).

Conditions:
ALDH1A3-related disorder. Also called: ALDH1A3-related condition.

Allele frequency attached by ClinVar (database versions not stated): TOPMed 0.00006; gnomAD 0.00009.
gnomAD v4.1: 97 of 1,454,140 alleles (0.0067%); highest among the groups gnomAD compares: Non-Finnish European, 0.0086%; no homozygotes.

Submission:

PreventionGenetics, part of Exact Sciences
Classification: Likely benign for ALDH1A3-related condition. Last evaluated: 2019-05-08. Review status: no assertion criteria provided. Collection method: clinical testing. Allele origin: germline.
Comment: This variant is classified as likely benign based on ACMG/AMP sequence variant interpretation guidelines (Richards et al. 2015 PMID: 25741868, with internal and published modifications).

NM_000693.4(ALDH1A3):c.99+7C>A

Gene: ALDH1A3 (aldehyde dehydrogenase 1 family member A3; plus strand). Cytogenetic location: 15q26.3.
Variant type: single nucleotide variant.
Coding change: c.99+7C>A on transcript NM_000693.4 (MANE Select); 7 bases into the intron after coding-DNA position 99, C replaced by A.
Molecular consequence: intron variant.
Genome position (GRCh38, 1-based): chr15:100,880,013, C>A. VCF-style: chr15-100880013-C-A. GRCh37 (hg19) VCF-style: chr15-101420218-C-A.
Other names: c.99+7C>A (NM_001293815.2).
Identifiers: ClinVar variation 3037497 (VCV003037497.2), dbSNP rs780340181, ClinGen allele CA7759960.